The following is an entry in ClinVar:

ClinVar aggregate classification (germline): Uncertain significance (0 of 4 stars; one submission).

Conditions:
CEP290-related disorder. Also called: CEP290-related condition; CEP290-related disorders. Identifiers: MedGen CN239314.

Submission:

PreventionGenetics, part of Exact Sciences
Classification: Uncertain significance for CEP290-related condition. Last evaluated: 2024-09-25. Review status: no assertion criteria provided. Collection method: clinical testing. Allele origin: germline.
Comment: The CEP290 c.5639A>C variant is predicted to result in the amino acid substitution p.Lys1880Thr. To our knowledge, this variant has not been reported in the literature or in a large population database, indicating this variant is rare. At this time, the clinical significance of this variant is uncertain due to the absence of conclusive functional and genetic evidence.

NM_025114.4(CEP290):c.5639A>C (p.Lys1880Thr)

Gene: CEP290 (centrosomal protein 290; minus strand). Cytogenetic location: 12q21.32.
Variant type: single nucleotide variant.
Coding change: c.5639A>C on transcript NM_025114.4 (MANE Select); coding-DNA position 5639, A replaced by C.
Protein change: p.Lys1880Thr; replaces lysine 1880 with threonine.
Molecular consequence: missense variant.
Genome position (GRCh38, 1-based): chr12:88,077,292, T>G on the plus strand (A>C on the coding strand, the complement: CEP290 is on the minus strand). VCF-style: chr12-88077292-T-G. GRCh37 (hg19) VCF-style: chr12-88471069-T-G.
Other names: short protein forms K1880T.
Identifiers: ClinVar variation 3347314 (VCV003347314.1).